The following is an entry in ClinVar:

NM_003803.4(MYOM1):c.4496T>C (p.Ile1499Thr)

Gene: MYOM1 (myomesin 1; minus strand). Cytogenetic location: 18p11.31.
Variant type: single nucleotide variant.
Coding change: c.4496T>C on transcript NM_003803.4 (MANE Select); coding-DNA position 4496, T replaced by C.
Protein change: p.Ile1499Thr; replaces isoleucine 1499 with threonine.
Molecular consequence: missense variant.
Genome position (GRCh38, 1-based): chr18:3,079,331, A>G on the plus strand (T>C on the coding strand, the complement: MYOM1 is on the minus strand). VCF-style: chr18-3079331-A-G. GRCh37 (hg19) VCF-style: chr18-3079329-A-G.
Other names: c.4208T>C, p.Ile1403Thr (NM_019856.2); short protein forms I1499T, I1403T.
Identifiers: ClinVar variation 410260 (VCV000410260.9), dbSNP rs1060502820, ClinGen allele CA16615779.

ClinVar aggregate classification (germline): Uncertain significance (1 of 4 stars; one submission).

Conditions:
Hypertrophic cardiomyopathy. Also called: HYPERTROPHIC MYOCARDIOPATHY. Identifiers: Orphanet 217569, MedGen C0007194, MeSH D002312, MONDO:0005045, HP:0001639.

Allele frequency attached by ClinVar (database versions not stated): TOPMed below 0.00001; gnomAD 0.00001.
gnomAD v4.1: 2 of 1,609,618 alleles (0.00012%); highest among the groups gnomAD compares: African/African-American, 0.0013%; no homozygotes.

Submission:

Labcorp Genetics (formerly Invitae), Labcorp
Classification: Uncertain significance for Hypertrophic cardiomyopathy. Last evaluated: 2016-08-24. Review status: criteria provided, single submitter. Criteria: Invitae Variant Classification Sherloc (09022015). Collection method: clinical testing. Allele origin: germline.
Comment: In summary, this variant is a novel missense change with uncertain impact on protein function. It has been classified as a Variant of Uncertain Significance. Algorithms developed to predict the effect of missense changes on protein structure and function do not agree on the potential impact of this missense change (SIFT: "Deleterious"; PolyPhen-2: "Benign"; Align-GVGD: "Class C0"). This variant is not present in population databases (ExAC no frequency) and has not been reported in the literature in individuals with a MYOM1-related disease. This sequence change replaces isoleucine with threonine at codon 1499 of the MYOM1 protein (p.Ile1499Thr). The isoleucine residue is moderately conserved and there is a moderate physicochemical difference between isoleucine and threonine.